The following is an entry in ClinVar:

ClinVar aggregate classification (germline): Likely benign (0 of 4 stars; one submission).

Conditions:
ERCC1-related disorder. Also called: ERCC1-related condition.

Allele frequency attached by ClinVar (database versions not stated): gnomAD exomes below 0.00001.
gnomAD v4.1: 1 of 807,374 alleles (0.00012%); highest among the groups gnomAD compares: East Asian, 0.0024%; no homozygotes.

Submission:

PreventionGenetics, part of Exact Sciences
Classification: Likely benign for ERCC1-related condition. Last evaluated: 2023-07-11. Review status: no assertion criteria provided. Collection method: clinical testing. Allele origin: germline.
Comment: This variant is classified as likely benign based on ACMG/AMP sequence variant interpretation guidelines (Richards et al. 2015 PMID: 25741868, with internal and published modifications).

NM_001983.4(ERCC1):c.844-9C>T

Genes: ERCC1 (ERCC excision repair 1, endonuclease non-catalytic subunit; minus strand), POLR1G (RNA polymerase I subunit G; plus strand). Cytogenetic location: 19q13.32.
Variant type: single nucleotide variant.
Coding change: c.844-9C>T on transcript NM_001983.4 (MANE Select); 9 bases into the intron before coding-DNA position 844, C replaced by T.
Molecular consequence: intron variant. On other transcripts: 3 prime UTR variant (2).
Genome position (GRCh38, 1-based): chr19:45,409,734, G>A on the plus strand (C>T on the coding strand, the complement: ERCC1 is on the minus strand). VCF-style: chr19-45409734-G-A. GRCh37 (hg19) VCF-style: chr19-45912992-G-A.
Other names: c.*233G>A (NM_001297590.3, NM_012099.3); c.844-9C>T (NM_001369412.1, NM_001369413.1, NM_001369414.1 and 2 more transcripts); c.772-9C>T (NM_001369417.1, NM_001369418.1, NM_001166049.2 and 1 more transcripts).
Identifiers: ClinVar variation 3053135 (VCV003053135.2), dbSNP rs1244662643, ClinGen allele CA633335042.